The following is an entry in ClinVar:

ClinVar aggregate classification (germline): Uncertain significance. Review status: criteria provided, multiple submitters, no conflicts (2 of 4 stars). 7 submissions from 7 submitters: Uncertain significance (6). 1 of the submissions does not count toward it. Last evaluated 2025-07-15.

Conditions:
Cystic fibrosis (CF). Also called: MUCOVISCIDOSIS. Identifiers: Orphanet 586, MedGen C0010674, MONDO:0009061, OMIM 219700. Disease mechanism: loss of function.

Allele frequency attached by ClinVar (database versions not stated): ExAC 0.00002; gnomAD exomes 0.00001.
gnomAD v4.1: 14 of 1,613,034 alleles (0.00087%); highest among the groups gnomAD compares: Admixed American, 0.0017%; no homozygotes.

Submissions (7):

Mayo Clinic Laboratories, Mayo Clinic
Classification: Uncertain significance. Last evaluated: 2025-07-15. Review status: criteria provided, single submitter. Criteria: ACMG Guidelines, 2015. Collection method: clinical testing. Allele origin: germline. Observed: 1 variant allele.
Comment: PM2_supporting, PM3_supporting

Ambry Genetics
Classification: Uncertain significance for Cystic fibrosis. Last evaluated: 2025-04-25. Review status: criteria provided, single submitter. Criteria: Ambry Variant Classification Scheme 2023. Collection method: clinical testing. Allele origin: germline.
Comment: The p.G437D variant (also known as c.1310G>A), located in coding exon 10 of the CFTR gene, results from a G to A substitution at nucleotide position 1310. The glycine at codon 437 is replaced by aspartic acid, an amino acid with similar properties. This alteration was identified with 3849+10kbC>T in an individual diagnosed with cystic fibrosis that was pancreatic sufficient and had milder lung disease (Koles&aacute;r P et al. Gen Physiol Biophys, 2008 Dec;27:299-305). This amino acid position is not well conserved in available vertebrate species. In addition, the in silico prediction for this alteration is inconclusive. Based on the available evidence, the clinical significance of this variant remains unclear.

Women's Health and Genetics/Laboratory Corporation of America, LabCorp
Classification: Uncertain significance. Last evaluated: 2025-02-03. Review status: criteria provided, single submitter. Criteria: LabCorp Variant Classification Summary - May 2015. Collection method: clinical testing. Allele origin: germline.
Comment: Variant summary: CFTR c.1310G>A (p.Gly437Asp) results in a non-conservative amino acid change located in the ATP-binding cassette, ABC transporter-type domain of the encoded protein sequence. Two of four in-silico tools predict a benign effect of the variant on protein function. The variant allele was found at a frequency of 1.2e-05 in 243748 control chromosomes. c.1310G>A has been reported in the literature in at-least one individuals affected with Cystic Fibrosis (example: Kolesar_2008). These data do not allow any conclusion about variant significance. At least one publication reports experimental evidence evaluating an impact on protein function. The most pronounced variant effect results in 10%-<30% of normal activity (Bihler_2024). The following publications have been ascertained in the context of this evaluation (PMID: 28544683, 38388235, 19202204). ClinVar contains an entry for this variant (Variation ID: 863689). Based on the evidence outlined above, the variant was classified as VUS-possibly pathogenic.

Labcorp Genetics (formerly Invitae), Labcorp
Classification: Uncertain significance for Cystic fibrosis. Last evaluated: 2022-11-01. Review status: criteria provided, single submitter. Criteria: Invitae Variant Classification Sherloc (09022015). Collection method: clinical testing. Allele origin: germline.
Comment: This sequence change replaces glycine, which is neutral and non-polar, with aspartic acid, which is acidic and polar, at codon 437 of the CFTR protein (p.Gly437Asp). The frequency data for this variant in the population databases is considered unreliable, as metrics indicate poor data quality at this position in the gnomAD database. This missense change has been observed in individual(s) with clinical features of cystic fibrosis (PMID: 19202204, 28544683). ClinVar contains an entry for this variant (Variation ID: 863689). Advanced modeling of protein sequence and biophysical properties (such as structural, functional, and spatial information, amino acid conservation, physicochemical variation, residue mobility, and thermodynamic stability) performed at Invitae indicates that this missense variant is not expected to disrupt CFTR protein function. In summary, the available evidence is currently insufficient to determine the role of this variant in disease. Therefore, it has been classified as a Variant of Uncertain Significance.

Genome-Nilou Lab
Classification: Uncertain significance for Cystic fibrosis. Last evaluated: 2021-09-05. Review status: criteria provided, single submitter. Criteria: ACMG Guidelines, 2015. Collection method: clinical testing. Allele origin: germline. Affected: no.

Quest Diagnostics Nichols Institute San Juan Capistrano
Classification: Uncertain significance. Last evaluated: 2020-01-09. Review status: criteria provided, single submitter. Criteria: Quest Diagnostics criteria. Collection method: clinical testing. Allele origin: unknown.

Natera, Inc.
Classification: Uncertain significance for Cystic Fibrosis. Last evaluated: 2020-09-16. Review status: no assertion criteria provided. Collection method: clinical testing. Allele origin: germline. Not counted in ClinVar's aggregate classification.

Literature cited by the submitters: PubMed 19202204 (cited by 5 submitters); PubMed 32773111 (cited by Mayo Clinic Laboratories, Mayo Clinic); PubMed 38388235 (cited by Mayo Clinic Laboratories, Mayo Clinic and Women's Health and Genetics/Laboratory Corporation of America, LabCorp); PubMed 28544683 (cited by Women's Health and Genetics/Laboratory Corporation of America, LabCorp and Labcorp Genetics (formerly Invitae), Labcorp).

NM_000492.4(CFTR):c.1310G>A (p.Gly437Asp)

Genes: CFTR-AS1 (CFTR antisense RNA 1; minus strand), CFTR (CF transmembrane conductance regulator; plus strand). Cytogenetic location: 7q31.2.
Variant type: single nucleotide variant.
Coding change: c.1310G>A on transcript NM_000492.4 (MANE Select); coding-DNA position 1310, G replaced by A.
Protein change: p.Gly437Asp; replaces glycine 437 with aspartic acid.
Molecular consequence: missense variant.
Genome position (GRCh38, 1-based): chr7:117,548,741, G>A. VCF-style: chr7-117548741-G-A. GRCh37 (hg19) VCF-style: chr7-117188795-G-A.
Other names: p.Gly437Asp; short protein forms G437D.
Identifiers: ClinVar variation 863689 (VCV000863689.11), dbSNP rs765791986, ClinGen allele CA4450971.